The following is an entry in ClinVar:

ClinVar aggregate classification (germline): Uncertain significance (1 of 4 stars; one submission).

gnomAD v4.1: 3 of 1,612,898 alleles (0.00019%); highest among the groups gnomAD compares: African/African-American, 0.004%; no homozygotes.

Submission:

Labcorp Genetics (formerly Invitae), Labcorp
Classification: Uncertain significance. Last evaluated: 2021-12-26. Review status: criteria provided, single submitter. Criteria: Invitae Variant Classification Sherloc (09022015). Collection method: clinical testing. Allele origin: germline.
Comment: In summary, the available evidence is currently insufficient to determine the role of this variant in disease. Therefore, it has been classified as a Variant of Uncertain Significance. Algorithms developed to predict the effect of missense changes on protein structure and function are either unavailable or do not agree on the potential impact of this missense change (SIFT: "Not Available"; PolyPhen-2: "Possibly Damaging"; Align-GVGD: "Not Available"). This variant has not been reported in the literature in individuals affected with HYOU1-related conditions. This variant is not present in population databases (gnomAD no frequency). This sequence change replaces serine, which is neutral and polar, with tryptophan, which is neutral and slightly polar, at codon 140 of the HYOU1 protein (p.Ser140Trp).

NM_006389.5(HYOU1):c.419C>G (p.Ser140Trp)

Gene: HYOU1 (hypoxia up-regulated 1; minus strand). Cytogenetic location: 11q23.3.
Variant type: single nucleotide variant.
Coding change: c.419C>G on transcript NM_006389.5 (MANE Select); coding-DNA position 419, C replaced by G.
Protein change: p.Ser140Trp; replaces serine 140 with tryptophan.
Molecular consequence: missense variant.
Genome position (GRCh38, 1-based): chr11:119,055,185, G>C on the plus strand (C>G on the coding strand, the complement: HYOU1 is on the minus strand). VCF-style: chr11-119055185-G-C. GRCh37 (hg19) VCF-style: chr11-118925897-G-C.
Other names: c.419C>G, p.Ser140Trp (NM_001130991.3, NM_001411041.1); short protein forms S140W.
Identifiers: ClinVar variation 1921605 (VCV001921605.5), dbSNP rs781897557, ClinGen allele CA382952029.